The following is an entry in ClinVar:

NM_001330288.2(SMARCC2):c.1496+1G>T

Gene: SMARCC2 (SWI/SNF related BAF chromatin remodeling complex subunit C2; minus strand). Cytogenetic location: 12q13.2.
Variant type: single nucleotide variant.
Coding change: c.1496+1G>T on transcript NM_001330288.2 (MANE Select); the canonical splice donor site of the intron after coding-DNA position 1496, G replaced by T.
Molecular consequence: splice donor variant.
Genome position (GRCh38, 1-based): chr12:56,174,650, C>A on the plus strand (G>T on the coding strand, the complement: SMARCC2 is on the minus strand). VCF-style: chr12-56174650-C-A. GRCh37 (hg19) VCF-style: chr12-56568434-C-A.
Other names: c.1496+1G>T (NM_003075.5, NM_139067.4, NM_001130420.3).
Identifiers: ClinVar variation 3381186 (VCV003381186.2).

ClinVar aggregate classification (germline): Pathogenic (1 of 4 stars; one submission).

Conditions:
Coffin-Siris syndrome 8. Identifiers: MedGen C5193054, MONDO:0032702, OMIM 618362.

Submission:

Department of Medical Genetics, International Peace Maternity and Child Health Hospital, Shanghai Jiao Tong University School of Medicine
Classification: Pathogenic for Coffin-Siris syndrome 8. Last evaluated: 2024-11-22. Review status: criteria provided, single submitter. Criteria: ACMG Guidelines, 2015. Collection method: clinical testing. Allele origin: de novo. Affected: yes. Observed: 2 variant alleles.
Comment: The c.1496+1G>T variant in the SMARCC2 gene (NM_003075.3) was identified in a pair of twin patients with syndromic neurodevelopmental disorder. c.1496+1G>T variant has not been included in gnomAD database (PM2_Supporting). SpliceAI predicted that the c.1496+1G>T variant was highly likely to cause loss of the donor splice site (PP3). TA-clone sequencing of the RT-PCR fragments using samples from the patient showed that the canonical splicing variant resulted in two distinct aberrant splicing events in SMARCC2 mRNA. Though both aberrant splicing events do not lead to premature stop codon formation, they can disrupt the formation of alpha helices within the SWIRM domain. Therefore, PVS1 was used based on the ClinGen SVI splicing subgroup's guidance.

Literature cited by the submitters: PubMed 37352859.